The following is an entry in ClinVar:

NM_000057.4(BLM):c.2975T>C (p.Phe992Ser)

Gene: BLM (BLM RecQ like helicase; plus strand). Cytogenetic location: 15q26.1.
Variant type: single nucleotide variant.
Coding change: c.2975T>C on transcript NM_000057.4 (MANE Select); coding-DNA position 2975, T replaced by C.
Protein change: p.Phe992Ser; replaces phenylalanine 992 with serine.
Molecular consequence: missense variant.
Genome position (GRCh38, 1-based): chr15:90,790,800, T>C. VCF-style: chr15-90790800-T-C. GRCh37 (hg19) VCF-style: chr15-91334030-T-C.
Other names: c.2975T>C, p.Phe992Ser (NM_001287246.2, NM_001287247.2); c.1850T>C, p.Phe617Ser (NM_001287248.2); short protein forms F617S, F992S.
Identifiers: ClinVar variation 822402 (VCV000822402.14), dbSNP rs371418699, ClinGen allele CA274764721.

ClinVar aggregate classification (germline): Uncertain significance. Review status: criteria provided, multiple submitters, no conflicts (2 of 4 stars). 4 submissions from 4 submitters: Uncertain significance (3). 1 of the submissions does not count toward it. Last evaluated 2024-10-31.

Conditions:
Hereditary cancer-predisposing syndrome. Also called: Tumor predisposition; Hereditary Cancer Syndrome; Neoplastic Syndromes, Hereditary; Hereditary neoplastic syndrome. Identifiers: Orphanet 140162, MedGen C0027672, MeSH D009386, MONDO:0015356.
Bloom syndrome (BLM). Also called: Bloom-Torre-Machacek syndrome. Identifiers: Orphanet 125, MedGen C0005859, MONDO:0008876, OMIM 210900.

Allele frequency attached by ClinVar (database versions not stated): gnomAD exomes below 0.00001; gnomAD 0.00001; TOPMed 0.00001; ESP Exome Variant Server 0.00008.
gnomAD v4.1: 3 of 1,614,092 alleles (0.00019%); highest among the groups gnomAD compares: African/African-American, 0.004%; no homozygotes.

Submissions (4):

Ambry Genetics
Classification: Uncertain significance for Hereditary cancer-predisposing syndrome. Last evaluated: 2024-10-31. Review status: criteria provided, single submitter. Criteria: Ambry Variant Classification Scheme 2023. Collection method: clinical testing. Allele origin: germline.

Labcorp Genetics (formerly Invitae), Labcorp
Classification: Uncertain significance for Bloom syndrome. Last evaluated: 2024-02-10. Review status: criteria provided, single submitter. Criteria: Invitae Variant Classification Sherloc (09022015). Collection method: clinical testing. Allele origin: germline.
Comment: This sequence change replaces phenylalanine, which is neutral and non-polar, with serine, which is neutral and polar, at codon 992 of the BLM protein (p.Phe992Ser). This variant is present in population databases (rs371418699, gnomAD 0.01%). This variant has not been reported in the literature in individuals affected with BLM-related conditions. ClinVar contains an entry for this variant (Variation ID: 822402). Advanced modeling of protein sequence and biophysical properties (such as structural, functional, and spatial information, amino acid conservation, physicochemical variation, residue mobility, and thermodynamic stability) performed at Invitae indicates that this missense variant is expected to disrupt BLM protein function with a positive predictive value of 80%. In summary, the available evidence is currently insufficient to determine the role of this variant in disease. Therefore, it has been classified as a Variant of Uncertain Significance.

Fulgent Genetics
Classification: Uncertain significance for Bloom syndrome. Last evaluated: 2022-03-22. Review status: criteria provided, single submitter. Criteria: ACMG Guidelines, 2015. Collection method: clinical testing. Allele origin: unknown.

Natera, Inc.
Classification: Uncertain significance for Bloom syndrome. Last evaluated: 2020-09-16. Review status: no assertion criteria provided. Collection method: clinical testing. Allele origin: germline. Not counted in ClinVar's aggregate classification.